The following is an entry in ClinVar:

NM_000836.4(GRIN2D):c.2632G>A (p.Gly878Arg)

Gene: GRIN2D (glutamate ionotropic receptor NMDA type subunit 2D; plus strand). Cytogenetic location: 19q13.33.
Variant type: single nucleotide variant.
Coding change: c.2632G>A on transcript NM_000836.4 (MANE Select); coding-DNA position 2632, G replaced by A.
Protein change: p.Gly878Arg; replaces glycine 878 with arginine.
Molecular consequence: missense variant.
Genome position (GRCh38, 1-based): chr19:48,442,341, G>A. VCF-style: chr19-48442341-G-A. GRCh37 (hg19) VCF-style: chr19-48945598-G-A.
Other names: short protein forms G878R.
Identifiers: ClinVar variation 2695476 (VCV002695476.3), dbSNP rs1971306891, ClinGen allele CA406670483.

ClinVar aggregate classification (germline): Uncertain significance (1 of 4 stars; one submission).

Allele frequency attached by ClinVar (database versions not stated): gnomAD exomes below 0.00001; gnomAD 0.00001.

Submission:

Labcorp Genetics (formerly Invitae), Labcorp
Classification: Uncertain significance. Last evaluated: 2023-11-13. Review status: criteria provided, single submitter. Criteria: Invitae Variant Classification Sherloc (09022015). Collection method: clinical testing. Allele origin: germline.
Comment: This sequence change replaces glycine, which is neutral and non-polar, with arginine, which is basic and polar, at codon 878 of the GRIN2D protein (p.Gly878Arg). This variant is not present in population databases (gnomAD no frequency). This variant has not been reported in the literature in individuals affected with GRIN2D-related conditions. Advanced modeling of protein sequence and biophysical properties (such as structural, functional, and spatial information, amino acid conservation, physicochemical variation, residue mobility, and thermodynamic stability) performed at Invitae indicates that this missense variant is not expected to disrupt GRIN2D protein function with a negative predictive value of 95%. In summary, the available evidence is currently insufficient to determine the role of this variant in disease. Therefore, it has been classified as a Variant of Uncertain Significance.